The following is an entry in ClinVar:

ClinVar aggregate classification (germline): Uncertain significance (1 of 4 stars; one submission).

Submission:

Labcorp Genetics (formerly Invitae), Labcorp
Classification: Uncertain significance. Last evaluated: 2025-04-08. Review status: criteria provided, single submitter. Criteria: Invitae Variant Classification Sherloc (09022015). Collection method: clinical testing. Allele origin: germline.
Comment: This sequence change replaces leucine, which is neutral and non-polar, with proline, which is neutral and non-polar, at codon 765 of the ASPM protein (p.Leu765Pro). This variant is not present in population databases (gnomAD no frequency). This variant has not been reported in the literature in individuals affected with ASPM-related conditions. ClinVar contains an entry for this variant (Variation ID: 3607223). Invitae Evidence Modeling of protein sequence and biophysical properties (such as structural, functional, and spatial information, amino acid conservation, physicochemical variation, residue mobility, and thermodynamic stability) has been performed for this missense variant. However, the output from this modeling did not meet the statistical confidence thresholds required to predict the impact of this variant on ASPM protein function. In summary, the available evidence is currently insufficient to determine the role of this variant in disease. Therefore, it has been classified as a Variant of Uncertain Significance.

NM_018136.5(ASPM):c.2294T>C (p.Leu765Pro)

Gene: ASPM (assembly factor for spindle microtubules; minus strand). Cytogenetic location: 1q31.3.
Variant type: single nucleotide variant.
Coding change: c.2294T>C on transcript NM_018136.5 (MANE Select); coding-DNA position 2294, T replaced by C.
Protein change: p.Leu765Pro; replaces leucine 765 with proline.
Molecular consequence: missense variant.
Genome position (GRCh38, 1-based): chr1:197,133,475, A>G on the plus strand (T>C on the coding strand, the complement: ASPM is on the minus strand). VCF-style: chr1-197133475-A-G. GRCh37 (hg19) VCF-style: chr1-197102605-A-G.
Other names: c.2294T>C, p.Leu765Pro (NM_001206846.2); short protein forms L765P.
Identifiers: ClinVar variation 3607223 (VCV003607223.2).